The following is an entry in ClinVar:

NM_004655.4(AXIN2):c.1408dup (p.His470fs)

Gene: AXIN2 (axin 2; minus strand). Cytogenetic location: 17q24.1.
Variant type: Duplication.
Coding change: c.1408dup on transcript NM_004655.4 (MANE Select); coding-DNA position 1408, one base duplicated (C; older notation c.1408dupC).
Protein change: p.His470fs; shifts the reading frame from histidine 470.
Molecular consequence: frameshift variant.
Genome position (GRCh38, 1-based): chr17:65,537,628, G duplicated on the plus strand (C on the coding strand, the reverse complement: AXIN2 is on the minus strand); the first of 2 consecutive G bases (chr17:65,537,628-65,537,629); duplicating either gives the same sequence. VCF-style (leftmost placement, unchanged base first): chr17-65537627-T-TG. GRCh37 (hg19) VCF-style: chr17-63533745-T-TG.
Other names: c.1408dup, p.His470fs (NM_001363813.1); short protein forms H470fs.
Identifiers: ClinVar variation 1692848 (VCV001692848.1), dbSNP rs2144463649, ClinGen allele CA2573154693.

ClinVar aggregate classification (germline): Likely pathogenic (1 of 4 stars; one submission).

Conditions:
Hereditary cancer-predisposing syndrome. Also called: Hereditary neoplastic syndrome; Tumor predisposition; Neoplastic Syndromes, Hereditary; Hereditary Cancer Syndrome. Identifiers: Orphanet 140162, MedGen C0027672, MeSH D009386, MONDO:0015356.

Submission:

Sema4
Classification: Likely pathogenic for Hereditary cancer-predisposing syndrome. Last evaluated: 2022-02-10. Review status: criteria provided, single submitter. Criteria: Sema4 Curation Guidelines. Collection method: curation. Allele origin: germline.
Comment: To the best of our knowledge, the AXIN2 c.1408dupC (p.H470PfsX158) variant has not been reported in individuals with AXIN2-related disease. This variant causes a frameshift at amino acid 470 that results in premature termination 158 amino acids downstream. At this location, this is predicted to cause nonsense-mediated decay and result in an absent protein (loss of function). Loss of function variants in AXIN2 are known to be pathogenic (PMID: 15042511, 21416598). This variant is not reported in the population database Genome Aggregation Database (PMID: 32461654). The variant has not been reported in ClinVar. Based on the current evidence available, this variant is interpreted as likely pathogenic.

Literature cited by the submitters: PubMed 29446198; PubMed 15042511; PubMed 21416598.